The following is an entry in ClinVar:

NM_000138.5(FBN1):c.6248G>A (p.Cys2083Tyr)

Gene: FBN1 (fibrillin 1; minus strand). Cytogenetic location: 15q21.1.
Variant type: single nucleotide variant.
Coding change: c.6248G>A on transcript NM_000138.5 (MANE Select); coding-DNA position 6248, G replaced by A.
Protein change: p.Cys2083Tyr; replaces cysteine 2083 with tyrosine.
Molecular consequence: missense variant.
Genome position (GRCh38, 1-based): chr15:48,437,833, C>T on the plus strand (G>A on the coding strand, the complement: FBN1 is on the minus strand). VCF-style: chr15-48437833-C-T. GRCh37 (hg19) VCF-style: chr15-48730030-C-T.
Other names: c.6248G>A, p.Cys2083Tyr (NM_001406716.1); short protein forms C2083Y.
Identifiers: ClinVar variation 3754054 (VCV003754054.2).
Genomic context (GRCh38, chr15:48,437,833, plus strand): 5'-GGTTCCGTGGGGCAGAGCTCGCAGGGGTCTCCCCAGCCTTCTCCCTTCAAGGCACAGCAG[C>T]ATTCCTGCTTGGAGTGATTTCTGGATTTGGGTGATGAACACTTTCCTCCTTCAAACTTCG-3'
Protein context (NP_000129.3, residues 2073-2093): PKSRNHSKQE[Cys2083Tyr]CCALKGEGWG

ClinVar aggregate classification (germline): Pathogenic (1 of 4 stars; one submission).

Conditions:
Marfan syndrome (MFS). Also called: MARFAN SYNDROME, TYPE I; Marfan syndrome type 1; Marfan's syndrome; Marfan syndrome, classic; FBN1-Related Marfan Syndrome. Identifiers: Orphanet 284963, Orphanet 558, MedGen C0024796, MONDO:0007947, OMIM 154700.
Familial thoracic aortic aneurysm and aortic dissection (TAAD). Also called: Thoracic aortic aneurysms and dissections. Identifiers: Orphanet 91387, MedGen C4707243, MONDO:0019625.

Submission:

Labcorp Genetics (formerly Invitae), Labcorp
Classification: Pathogenic for Marfan syndrome; Familial thoracic aortic aneurysm and aortic dissection. Last evaluated: 2024-03-16. Review status: criteria provided, single submitter. Criteria: Invitae Variant Classification Sherloc (09022015). Collection method: clinical testing. Allele origin: germline.
Comment: This sequence change replaces cysteine, which is neutral and slightly polar, with tyrosine, which is neutral and polar, at codon 2083 of the FBN1 protein (p.Cys2083Tyr). This variant is not present in population databases (gnomAD no frequency). This missense change has been observed in individual(s) with FBN1-related conditions (Invitae). Advanced modeling of protein sequence and biophysical properties (such as structural, functional, and spatial information, amino acid conservation, physicochemical variation, residue mobility, and thermodynamic stability) performed at Invitae indicates that this missense variant is expected to disrupt FBN1 protein function with a positive predictive value of 95%. This variant affects a cysteine residue in the EGF-like, TGFBP or hybrid motif domains of FBN1. Cysteine residues are believed to be involved in intramolecular disulfide bridges and have been shown to be important for FBN1 protein structure (PMID: 16905551, 19349279). In addition, missense substitutions affecting cysteine residues within these domains are significantly overrepresented among patients with Marfan syndrome (PMID: 16571647, 17701892). This variant disrupts the p.Cys2083 amino acid residue in FBN1. Other variant(s) that disrupt this residue have been observed in individuals with FBN1-related conditions (PMID: 19293843, 27558095), which suggests that this may be a clinically significant amino acid residue. For these reasons, this variant has been classified as Pathogenic.

Literature cited by the submitters: PubMed 16905551; PubMed 19349279; PubMed 16571647; PubMed 17701892; PubMed 19293843; PubMed 27558095.